The following is an entry in ClinVar:

NM_001003800.2(BICD2):c.424C>G (p.Leu142Val)

Gene: BICD2 (BICD cargo adaptor 2; minus strand). Cytogenetic location: 9q22.31.
Variant type: single nucleotide variant.
Coding change: c.424C>G on transcript NM_001003800.2 (MANE Select); coding-DNA position 424, C replaced by G.
Protein change: p.Leu142Val; replaces leucine 142 with valine.
Molecular consequence: missense variant.
Genome position (GRCh38, 1-based): chr9:92,729,053, G>C on the plus strand (C>G on the coding strand, the complement: BICD2 is on the minus strand). VCF-style: chr9-92729053-G-C. GRCh37 (hg19) VCF-style: chr9-95491335-G-C.
Other names: c.424C>G, p.Leu142Val (NM_015250.4); short protein forms L142V.
Identifiers: ClinVar variation 3701904 (VCV003701904.2).

ClinVar aggregate classification (germline): Uncertain significance (1 of 4 stars; one submission).

Conditions:
Autosomal dominant childhood-onset proximal spinal muscular atrophy with contractures (SMALED2A). Also called: Spinal muscular atrophy, lower extremity-predominant, 2A, autosomal dominant; SPINAL MUSCULAR ATROPHY, LOWER EXTREMITY-PREDOMINANT, 2A, CHILDHOOD ONSET, AUTOSOMAL DOMINANT. Identifiers: Orphanet 363447, Orphanet 363454, MedGen C4747715, MONDO:0014121, OMIM 615290.

gnomAD v4.1: 1 of 1,614,092 alleles (0.000062%); highest among the groups gnomAD compares: Non-Finnish European, 0.000085%; no homozygotes.

Submission:

Labcorp Genetics (formerly Invitae), Labcorp
Classification: Uncertain significance for Autosomal dominant childhood-onset proximal spinal muscular atrophy with contractures. Last evaluated: 2025-11-03. Review status: criteria provided, single submitter. Criteria: Invitae Variant Classification Sherloc (09022015). Collection method: clinical testing. Allele origin: germline.
Comment: This sequence change replaces leucine, which is neutral and non-polar, with valine, which is neutral and non-polar, at codon 142 of the BICD2 protein (p.Leu142Val). This variant is not present in population databases (gnomAD no frequency). This variant has not been reported in the literature in individuals affected with BICD2-related conditions. ClinVar contains an entry for this variant (Variation ID: 3701904). Invitae Evidence Modeling of protein sequence and biophysical properties (such as structural, functional, and spatial information, amino acid conservation, physicochemical variation, residue mobility, and thermodynamic stability) indicates that this missense variant is not expected to disrupt BICD2 protein function with a negative predictive value of 80%. In summary, the available evidence is currently insufficient to determine the role of this variant in disease. Therefore, it has been classified as a Variant of Uncertain Significance.